The following is an entry in ClinVar:

NM_000283.4(PDE6B):c.1090G>A (p.Glu364Lys)

Gene: PDE6B (phosphodiesterase 6B; plus strand). Cytogenetic location: 4p16.3.
Variant type: single nucleotide variant.
Coding change: c.1090G>A on transcript NM_000283.4 (MANE Select); coding-DNA position 1090, G replaced by A.
Protein change: p.Glu364Lys; replaces glutamic acid 364 with lysine.
Molecular consequence: missense variant. On other transcripts: intron variant (1).
Genome position (GRCh38, 1-based): chr4:656,275, G>A. VCF-style: chr4-656275-G-A. GRCh37 (hg19) VCF-style: chr4-650064-G-A.
Other names: c.1090G>A, p.Glu364Lys (NM_001145291.2); c.253G>A, p.Glu85Lys (NM_001145292.2, NM_001350154.3, NM_001379246.1 and 1 more transcripts); c.-48-599G>A (NM_001350155.3); short protein forms E364K, E85K.
Identifiers: ClinVar variation 3695196 (VCV003695196.3).

ClinVar aggregate classification (germline): Uncertain significance. Review status: criteria provided, multiple submitters, no conflicts (2 of 4 stars). 2 submissions from 2 submitters: Uncertain significance (2). Last evaluated 2024-05-09.

gnomAD v4.1: 15 of 1,590,830 alleles (0.00094%); highest among the groups gnomAD compares: Middle Eastern, 0.017%; no homozygotes.

Submissions (2):

Labcorp Genetics (formerly Invitae), Labcorp
Classification: Uncertain significance. Last evaluated: 2024-05-09. Review status: criteria provided, single submitter. Criteria: Invitae Variant Classification Sherloc (09022015). Collection method: clinical testing. Allele origin: germline.
Comment: This sequence change replaces glutamic acid, which is acidic and polar, with lysine, which is basic and polar, at codon 364 of the PDE6B protein (p.Glu364Lys). This variant is present in population databases (rs373029524, gnomAD 0.007%). This variant has not been reported in the literature in individuals affected with PDE6B-related conditions. Advanced modeling of protein sequence and biophysical properties (such as structural, functional, and spatial information, amino acid conservation, physicochemical variation, residue mobility, and thermodynamic stability) performed at Invitae indicates that this missense variant is not expected to disrupt PDE6B protein function with a negative predictive value of 80%. Algorithms developed to predict the effect of sequence changes on RNA splicing suggest that this variant may disrupt the consensus splice site. In summary, the available evidence is currently insufficient to determine the role of this variant in disease. Therefore, it has been classified as a Variant of Uncertain Significance.

Blueprint Genetics
Classification: Uncertain significance. Last evaluated: 2018-03-06. Review status: criteria provided, single submitter. Criteria: ACMG Guidelines, 2015. Collection method: clinical testing. Allele origin: germline.